The following is an entry in ClinVar:

NM_005120.3(MED12):c.2125G>C (p.Glu709Gln)

Gene: MED12 (mediator complex subunit 12; plus strand). Cytogenetic location: Xq13.1.
Variant type: single nucleotide variant.
Coding change: c.2125G>C on transcript NM_005120.3 (MANE Select); coding-DNA position 2125, G replaced by C.
Protein change: p.Glu709Gln; replaces glutamic acid 709 with glutamine.
Molecular consequence: missense variant.
Genome position (GRCh38, 1-based): chrX:71,125,045, G>C. VCF-style: chrX-71125045-G-C. GRCh37 (hg19) VCF-style: chrX-70344895-G-C.
Other names: short protein forms E709Q.
Identifiers: ClinVar variation 2636448 (VCV002636448.2), dbSNP rs2519677708, ClinGen allele CA413511279.
Genomic context (GRCh38, chrX:71,125,045, plus strand): 5'-CCTACTATGCCCTGTGAGGGGAAGGGCAGTCCATCCCCTGAGAAGCCAGATGTCGAGAAG[G>C]AGGTGAAGCCCCCACCCAAGGAGAAGATTGAAGGGACCCTTGGGGTTCTTTACGACCAGC-3'
Protein context (NP_005111.2, residues 699-719): PSPEKPDVEK[Glu709Gln]VKPPPKEKIE

ClinVar aggregate classification (germline): Uncertain significance. Review status: criteria provided, multiple submitters, no conflicts (2 of 4 stars). 2 submissions from 2 submitters: Uncertain significance (2). Last evaluated 2025-05-15.

Conditions:
MED12-Related Disorders. Also called: MED12-related condition; MED12-related disorder. Identifiers: MedGen CN381102.
FG syndrome (FGS). Identifiers: MedGen C0220769, MONDO:0002010.

Allele frequency attached by ClinVar (database versions not stated): gnomAD exomes below 0.00001.
gnomAD v4.1: 2 of 1,211,158 alleles (0.00017%); highest among the groups gnomAD compares: Admixed American, 0.0022%; no homozygotes.

Submissions (2):

Labcorp Genetics (formerly Invitae), Labcorp
Classification: Uncertain significance for FG syndrome. Last evaluated: 2025-05-15. Review status: criteria provided, single submitter. Criteria: Invitae Variant Classification Sherloc (09022015). Collection method: clinical testing. Allele origin: germline.
Comment: This sequence change replaces glutamic acid, which is acidic and polar, with glutamine, which is neutral and polar, at codon 709 of the MED12 protein (p.Glu709Gln). This variant is not present in population databases (gnomAD no frequency). This variant has not been reported in the literature in individuals affected with MED12-related conditions. ClinVar contains an entry for this variant (Variation ID: 2636448). Invitae Evidence Modeling of protein sequence and biophysical properties (such as structural, functional, and spatial information, amino acid conservation, physicochemical variation, residue mobility, and thermodynamic stability) indicates that this missense variant is not expected to disrupt MED12 protein function with a negative predictive value of 95%. In summary, the available evidence is currently insufficient to determine the role of this variant in disease. Therefore, it has been classified as a Variant of Uncertain Significance.

PreventionGenetics, part of Exact Sciences
Classification: Uncertain significance for MED12-related condition. Last evaluated: 2022-08-25. Review status: criteria provided, single submitter. Criteria: ACMG Guidelines, 2015. Collection method: clinical testing. Allele origin: germline.
Comment: The MED12 c.2125G>C variant is predicted to result in the amino acid substitution p.Glu709Gln. To our knowledge, this variant has not been reported in the literature or in a large population database, indicating this variant is rare. At this time, the clinical significance of this variant is uncertain due to the absence of conclusive functional and genetic evidence.